The following is an entry in ClinVar:

NM_001365536.1(SCN9A):c.4198C>T (p.Leu1400Phe)

Genes: SCN1A-AS1 (SCN1A and SCN9A antisense RNA 1; plus strand), SCN9A (sodium voltage-gated channel alpha subunit 9; minus strand). Cytogenetic location: 2q24.3.
Variant type: single nucleotide variant.
Coding change: c.4198C>T on transcript NM_001365536.1 (MANE Select); coding-DNA position 4198, C replaced by T.
Protein change: p.Leu1400Phe; replaces leucine 1400 with phenylalanine.
Molecular consequence: missense variant.
Genome position (GRCh38, 1-based): chr2:166,228,699, G>A on the plus strand (C>T on the coding strand, the complement: SCN9A is on the minus strand). VCF-style: chr2-166228699-G-A. GRCh37 (hg19) VCF-style: chr2-167085209-G-A.
Other names: c.4165C>T, p.Leu1389Phe (NM_002977.4); short protein forms L1389F, L1400F.
Identifiers: ClinVar variation 3756202 (VCV003756202.2).

ClinVar aggregate classification (germline): Uncertain significance (1 of 4 stars; one submission).

Conditions:
Neuropathy, hereditary sensory and autonomic, type 2A (HSAN2A). Also called: MORVAN DISEASE; NEUROPATHY, CONGENITAL SENSORY; NEUROPATHY, HEREDITARY SENSORY RADICULAR, AUTOSOMAL RECESSIVE; NEUROPATHY, HEREDITARY SENSORY, TYPE IIA; NEUROPATHY, PROGRESSIVE SENSORY, OF CHILDREN; ACROOSTEOLYSIS, GIACCAI TYPE. Identifiers: Orphanet 970, MedGen C2752089, MONDO:0024309, OMIM 201300.
Generalized epilepsy with febrile seizures plus, type 7 (GEFSP7). Also called: GEFS+, TYPE 7. Identifiers: Orphanet 36387, MedGen C2751778, MONDO:0013470, OMIM 613863.

Submission:

Labcorp Genetics (formerly Invitae), Labcorp
Classification: Uncertain significance for Neuropathy, hereditary sensory and autonomic, type 2A; Generalized epilepsy with febrile seizures plus, type 7. Last evaluated: 2024-05-05. Review status: criteria provided, single submitter. Criteria: Invitae Variant Classification Sherloc (09022015). Collection method: clinical testing. Allele origin: germline.
Comment: This sequence change replaces leucine, which is neutral and non-polar, with phenylalanine, which is neutral and non-polar, at codon 1389 of the SCN9A protein (p.Leu1389Phe). This variant is not present in population databases (gnomAD no frequency). This variant has not been reported in the literature in individuals affected with SCN9A-related conditions. Advanced modeling of protein sequence and biophysical properties (such as structural, functional, and spatial information, amino acid conservation, physicochemical variation, residue mobility, and thermodynamic stability) performed at Invitae indicates that this missense variant is not expected to disrupt SCN9A protein function with a negative predictive value of 95%. In summary, the available evidence is currently insufficient to determine the role of this variant in disease. Therefore, it has been classified as a Variant of Uncertain Significance.